The following is an entry in ClinVar:

ClinVar aggregate classification (germline): Conflicting classifications of pathogenicity. Review status: criteria provided, conflicting classifications (1 of 4 stars). 10 submissions from 10 submitters: Uncertain significance (6); Benign (1); Likely benign (3). Last evaluated 2026-06-17.

Conditions:
PMS2-related disorder. Also called: PMS2-related condition.
Lynch syndrome. Identifiers: Orphanet 144, MedGen C4552100, MONDO:0005835. Disease mechanism: loss of function.
Mismatch repair cancer syndrome 4. Identifiers: MedGen C5436817, MONDO:0030843, OMIM 619101.
Hereditary nonpolyposis colorectal neoplasms. Identifiers: MedGen C0009405, MeSH D003123.
Hereditary cancer-predisposing syndrome. Also called: Neoplastic Syndromes, Hereditary; Tumor predisposition; Hereditary Cancer Syndrome; Hereditary neoplastic syndrome. Identifiers: Orphanet 140162, MedGen C0027672, MeSH D009386, MONDO:0015356.
Lynch syndrome 4 (LYNCH4). Also called: Colorectal cancer, hereditary nonpolyposis, type 4; Hereditary non-polyposis colorectal cancer, type 4. Identifiers: Orphanet 144, MedGen C1838333, MONDO:0013699, OMIM 614337. Disease mechanism: loss of function.

Allele frequency attached by ClinVar (database versions not stated): gnomAD 0.00003; TOPMed 0.00003; ExAC 0.00006; gnomAD exomes 0.00008; 1000 Genomes Project 30x 0.00016; 1000 Genomes Project 0.00020.

Submissions (10):

PreventionGenetics, part of Exact Sciences
Classification: Likely benign for PMS2-related condition. Last evaluated: 2026-06-17. Review status: criteria provided, single submitter. Criteria: ACMG Guidelines, 2015. Collection method: clinical testing. Allele origin: germline.
Comment: This variant is classified as likely benign based on ACMG/AMP sequence variant interpretation guidelines (Richards et al. 2015 PMID: 25741868, with internal and published modifications).

Labcorp Genetics (formerly Invitae), Labcorp
Classification: Benign for Hereditary nonpolyposis colorectal neoplasms. Last evaluated: 2026-01-31. Review status: criteria provided, single submitter. Criteria: Invitae Variant Classification Sherloc (09022015). Collection method: clinical testing. Allele origin: germline.

Women's Health and Genetics/Laboratory Corporation of America, LabCorp
Classification: Likely benign. Last evaluated: 2025-12-23. Review status: criteria provided, single submitter. Criteria: LabCorp Variant Classification Summary - May 2015. Collection method: clinical testing. Allele origin: germline.
Comment: Variant summary: PMS2 c.883C>T (p.Arg295Trp) results in a non-conservative amino acid change located in the DNA mismatch repair protein family, N-terminal (IPR002099) of the encoded protein sequence. Algorithms developed to predict the effect of missense changes on protein structure and function all suggest that this variant is likely to be disruptive. The variant allele was found at a frequency of 8e-05 in 251352 control chromosomes, predominantly at a frequency of 0.00092 within the East Asian subpopulation in the gnomAD database. The observed variant frequency within East Asian control individuals in the gnomAD database exceeds the estimated maximal expected allele frequency for disease-causing variants in PMS2. c.883C>T has been observed in individual(s) affected with Lynch Syndrome-associated cancers (Yurgelun_2015, Jiang_2018) or breast cancer (Lin_2016, Chan_2018, Toh_2018, Li_2019, Shao_2020, Dorling_2021), however it was also found in several unaffected controls (Dorling_2021, Okawa_2023). These report(s) do not provide unequivocal conclusions about association of the variant with Hereditary Nonpolyposis Colorectal Cancer. To our knowledge, no experimental evidence demonstrating an impact on protein function has been reported. The following publications have been ascertained in the context of this evaluation (PMID: 30093976, 33471991, 30521064, 29752822, 26824983, 36243179, 31742824, 31360874, 25980754). ClinVar contains an entry for this variant (Variation ID: 135947). Based on the evidence outlined above, the variant was classified as likely benign.

Center for Genomic Medicine, Rigshospitalet, Copenhagen University Hospital
Classification: Uncertain significance. Last evaluated: 2025-03-04. Review status: criteria provided, single submitter. Criteria: ACMG Guidelines, 2015. Collection method: clinical testing. Allele origin: germline.

Quest Diagnostics Nichols Institute San Juan Capistrano
Classification: Uncertain significance. Last evaluated: 2024-11-01. Review status: criteria provided, single submitter. Criteria: Quest Diagnostics criteria. Collection method: clinical testing. Allele origin: unknown.
Comment: The PMS2 c.883C>T (p.Arg295Trp) variant has been reported in the published literature in individuals with pancreatic cancer (PMID: 35171259 (2022)), Lynch syndrome (PMID: 25980754 (2015), 30521064 (2019)), and breast cancer (PMID: 26824983 (2016), 29752822 (2018), 30093976 (2018), 32295625 (2020), 33471991 (2021), see also LOVD). This variant has also been identified in reportedly healthy individuals (PMID: 33471991 (2021), 36243179 (2022), see also LOVD). The frequency of this variant in the general population, 0.00095 (19/19948 chromosomes in East Asian subpopulation (Genome Aggregation Database)), is higher than would generally be expected for pathogenic variants in this gene. Analysis of this variant using bioinformatics tools for the prediction of the effect of amino acid changes on protein structure and function yielded predictions that this variant is damaging. Based on the available information, we are unable to determine the clinical significance of this variant.

Color Diagnostics, LLC DBA Color Health
Classification: Uncertain significance for Hereditary cancer-predisposing syndrome. Last evaluated: 2024-10-07. Review status: criteria provided, single submitter. Criteria: ACMG Guidelines, 2015. Collection method: clinical testing. Allele origin: germline.
Comment: This missense variant replaces arginine with tryptophan at codon 295 of the PMS2 protein. Computational prediction suggests that this variant may have deleterious impact on protein structure and function (internally defined REVEL score threshold >= 0.7, PMID: 27666373). To our knowledge, functional studies have not been performed for this variant. This variant has been reported in individuals affected with Lynch syndrome-associated cancer and/or polyps (PMID: 25980754, 30521064), breast and/or ovarian cancer (PMID: 26824983, 29752822, 30093976, 31742824, 32295625), and duodenal carcinoma (PMID: 35171259). This variant has also been identified in 22/282742 chromosomes in the general population by the Genome Aggregation Database (gnomAD), with 19/19948 of East Asian population alleles. The available evidence is insufficient to determine the role of this variant in disease conclusively. Therefore, this variant is classified as a Variant of Uncertain Significance.

Baylor Genetics
Classification: Uncertain significance for Lynch syndrome 4. Last evaluated: 2024-02-28. Review status: criteria provided, single submitter. Criteria: ACMG Guidelines, 2015. Collection method: clinical testing. Allele origin: unknown.

All of Us Research Program, National Institutes of Health
Classification: Uncertain significance for Lynch syndrome. Last evaluated: 2023-12-13. Review status: criteria provided, single submitter. Criteria: ACMG Guidelines, 2015. Collection method: clinical testing. Allele origin: germline. Inheritance: Autosomal dominant inheritance. Observed: 5 variant alleles, 5 heterozygotes.
Comment: This missense variant replaces arginine with tryptophan at codon 295 of the PMS2 protein. Computational prediction suggests that this variant may have deleterious impact on protein structure and function (internally defined REVEL score threshold >= 0.7, PMID: 27666373). Splice site prediction tools suggest that this variant may not impact RNA splicing. To our knowledge, functional studies have not been performed for this variant. This variant has been reported in individuals affected with Lynch syndrome-associated cancer and/or polyps (PMID: 25980754, 30521064) and breast/ovarian cancer (PMID: 26824983, 29752822, 30093976, 31742824, 32295625). This variant has also been identified in 22/282742 chromosomes in the general population by the Genome Aggregation Database (gnomAD), with 19/19948 of East Asian population alleles. The available evidence is insufficient to determine the role of this variant in disease conclusively. Therefore, this variant is classified as a Variant of Uncertain Significance.

This study involves interpretation of variants in research participants for the purpose of population health screening. Participant phenotype was not available at the time of variant classification. Additional details can be found in publication PMID: 35346344, PMCID: PMC8962531

GeneDx
Classification: Uncertain significance. Last evaluated: 2023-06-13. Review status: criteria provided, single submitter. Criteria: GeneDx Variant Classification Process June 2021. Collection method: clinical testing. Allele origin: germline. Affected: yes.
Comment: Observed in individuals with Lynch syndrome-associated cancer or polyps and in individuals with personal or family history of breast or ovarian cancer (Yurgelun et al., 2015; Lin et al., 2016; Chan et al., 2018; Jiang et al., 2019; Li et al., 2019; Shao et al., 2020; Van Marcke et al., 2020; Dorling et al., 2021; Yin et al., 2022); In silico analysis supports that this missense variant has a deleterious effect on protein structure/function; This variant is associated with the following publications: (PMID: 25980754, 26824983, 29752822, 30521064, 30093976, 32295625, 31742824, 35171259, 33471991, 11574484)

Ambry Genetics
Classification: Likely benign for Hereditary cancer-predisposing syndrome. Last evaluated: 2021-07-12. Review status: criteria provided, single submitter. Criteria: Ambry Variant Classification Scheme 2023. Collection method: clinical testing. Allele origin: germline.

Literature cited by the submitters: PubMed 25980754 (cited by 6 submitters); PubMed 26824983 (cited by 5 submitters); PubMed 30093976 (cited by 5 submitters); PubMed 29752822 (cited by 5 submitters); PubMed 30521064 (cited by 6 submitters); PubMed 31360874 (cited by Women's Health and Genetics/Laboratory Corporation of America, LabCorp); PubMed 31742824 (cited by 6 submitters); PubMed 33471991 (cited by Women's Health and Genetics/Laboratory Corporation of America, LabCorp and Quest Diagnostics Nichols Institute San Juan Capistrano); PubMed 36243179 (cited by Women's Health and Genetics/Laboratory Corporation of America, LabCorp and Quest Diagnostics Nichols Institute San Juan Capistrano); PubMed 35171259 (cited by Quest Diagnostics Nichols Institute San Juan Capistrano and Color Diagnostics, LLC DBA Color Health); PubMed 32295625 (cited by 4 submitters); PubMed 11574484 (cited by Ambry Genetics).

NM_000535.7(PMS2):c.883C>T (p.Arg295Trp)

Gene: PMS2 (PMS1 homolog 2, mismatch repair system component; minus strand). Cytogenetic location: 7p22.1.
Variant type: single nucleotide variant.
Coding change: c.883C>T on transcript NM_000535.7 (MANE Select); coding-DNA position 883, C replaced by T.
Protein change: p.Arg295Trp; replaces arginine 295 with tryptophan.
Molecular consequence: missense variant. On other transcripts: 5 prime UTR variant (2), non-coding transcript variant (1).
Genome position (GRCh38, 1-based): chr7:5,995,554, G>A on the plus strand (C>T on the coding strand, the complement: PMS2 is on the minus strand). VCF-style: chr7-5995554-G-A. GRCh37 (hg19) VCF-style: chr7-6035185-G-A.
Other names: c.478C>T, p.Arg160Trp (NM_001322003.2, NM_001322004.2, NM_001322005.2 and 2 more transcripts); c.883C>T, p.Arg295Trp (NM_001322006.2, NM_001322014.2); c.565C>T, p.Arg189Trp (NM_001322007.2, NM_001322008.2); c.-51C>T (NM_001322011.2, NM_001322012.2); c.310C>T, p.Arg104Trp (NM_001322013.2); c.574C>T, p.Arg192Trp (NM_001322015.2); short protein forms R295W, R189W, R192W, R104W, R160W.
Identifiers: ClinVar variation 135947 (VCV000135947.40), dbSNP rs182246929, ClinGen allele CA013151.